The following is an entry in ClinVar:

NC_000004.11:g.(?_94006126)_(94032124_?)del

Gene: GRID2 (glutamate ionotropic receptor delta type subunit 2; plus strand). Cytogenetic location: 4q22.2.
Variant type: Deletion.
Identifiers: ClinVar variation 2424192 (VCV002424192.4).

ClinVar aggregate classification (germline): Pathogenic (1 of 4 stars; one submission).

Submission:

Labcorp Genetics (formerly Invitae), Labcorp
Classification: Pathogenic. Last evaluated: 2022-10-17. Review status: criteria provided, single submitter. Criteria: Invitae Variant Classification Sherloc (09022015). Collection method: clinical testing. Allele origin: germline.
Comment: For these reasons, this variant has been classified as Pathogenic. A similar copy number variant has been observed in individual(s) with GRID2-related conditions (PMID: 23611888, 27435318). It has also been observed to segregate with disease in related individuals. This variant is a gross deletion of the genomic region encompassing exon(s) 3-4 of the GRID2 gene. This deletion is out-of-frame, and is expected to create a premature termination codon and result in an absent or disrupted protein product. Loss-of-function variants in GRID2 are known to be pathogenic (PMID: 24078737).

Literature cited by the submitters: PubMed 23611888; PubMed 27435318; PubMed 24078737.